The following is an entry in ClinVar:

ClinVar aggregate classification (germline): Likely benign. Review status: criteria provided, multiple submitters, no conflicts (2 of 4 stars). 2 submissions from 2 submitters: Likely benign (2). Last evaluated 2025-07-23.

gnomAD v4.1: 21 of 1,507,186 alleles (0.0014%); highest among the groups gnomAD compares: East Asian, 0.011%; no homozygotes.

Submissions (2):

Mayo Clinic Laboratories, Mayo Clinic
Classification: Likely benign. Last evaluated: 2025-07-23. Review status: criteria provided, single submitter. Criteria: ACMG Guidelines, 2015. Collection method: clinical testing. Allele origin: germline. Observed: 1 variant allele.
Comment: BP4, BP7

Blueprint Genetics
Classification: Likely benign. Last evaluated: 2024-10-09. Review status: criteria provided, single submitter. Criteria: ACMG Guidelines, 2015. Collection method: clinical testing. Allele origin: germline.

NM_213720.3(CHCHD10):c.-3A>G

Gene: CHCHD10 (coiled-coil-helix-coiled-coil-helix domain containing 10; minus strand). Cytogenetic location: 22q11.23.
Variant type: single nucleotide variant.
Coding change: c.-3A>G on transcript NM_213720.3 (MANE Select); 3 bases upstream of the start codon, A replaced by G.
Molecular consequence: 5 prime UTR variant. On other transcripts: non-coding transcript variant (2).
Genome position (GRCh38, 1-based): chr22:23,767,877, T>C on the plus strand (A>G on the coding strand, the complement: CHCHD10 is on the minus strand). VCF-style: chr22-23767877-T-C. GRCh37 (hg19) VCF-style: chr22-24110064-T-C.
Other names: c.-3A>G (NM_001301339.2).
Identifiers: ClinVar variation 4684474 (VCV004684474.2).